The following is an entry in ClinVar:

NM_020070.4(IGLL1):c.606_609delinsTGCA (p.Val203Ala)

Gene: IGLL1 (immunoglobulin lambda like polypeptide 1; minus strand). Cytogenetic location: 22q11.23.
Variant type: Indel.
Coding change: c.606_609delinsTGCA on transcript NM_020070.4 (MANE Select); coding-DNA positions 606 to 609, CGTG replaced by TGCA.
Protein change: p.Val203Ala; replaces valine 203 with alanine.
Molecular consequence: missense variant. On other transcripts: 3 prime UTR variant (1).
Genome position (GRCh38, 1-based): chr22:23,573,299-23,573,302, CACG replaced by TGCA on the plus strand (CGTG replaced by TGCA on the coding strand, the reverse complement: IGLL1 is on the minus strand). VCF-style: chr22-23573299-CACG-TGCA. GRCh37 (hg19) VCF-style: chr22-23915486-CACG-TGCA.
Other names: c.609_612delinsTGCA, p.Val204Ala (NM_001369906.1); c.*235_*238delinsTGCA (NM_152855.3); short protein forms V203A, V204A.
Identifiers: ClinVar variation 575852 (VCV000575852.9), dbSNP rs1569069031, ClinGen allele CA891843919.

ClinVar aggregate classification (germline): Uncertain significance (1 of 4 stars; one submission).

Conditions:
Agammaglobulinemia 2, autosomal recessive (AGM2). Also called: AGAMMAGLOBULINEMIA, AUTOSOMAL RECESSIVE, DUE TO IGLL1 DEFECT. Identifiers: MedGen C3150750, MONDO:0013287, OMIM 613500.

Submission:

Labcorp Genetics (formerly Invitae), Labcorp
Classification: Uncertain significance for Agammaglobulinemia 2, autosomal recessive. Last evaluated: 2025-12-09. Review status: criteria provided, single submitter. Criteria: Invitae Variant Classification Sherloc (09022015). Collection method: clinical testing. Allele origin: germline.
Comment: This sequence change replaces valine, which is neutral and non-polar, with alanine, which is neutral and non-polar, at codon 203 of the IGLL1 protein (p.Val203Ala). Information on the frequency of this variant in the gnomAD database is not available, as this variant may be reported differently in the database. This variant has not been reported in the literature in individuals affected with IGLL1-related conditions. An algorithm developed to predict the effect of missense changes on protein structure and function (PolyPhen-2) suggests that this variant is likely to be disruptive. In summary, the available evidence is currently insufficient to determine the role of this variant in disease. Therefore, it has been classified as a Variant of Uncertain Significance.